The following is an entry in ClinVar:

NM_004360.5(CDH1):c.2296G>C (p.Asp766His)

Gene: CDH1 (cadherin 1; plus strand). Cytogenetic location: 16q22.1.
Variant type: single nucleotide variant.
Coding change: c.2296G>C on transcript NM_004360.5 (MANE Select); coding-DNA position 2296, G replaced by C.
Protein change: p.Asp766His; replaces aspartic acid 766 with histidine.
Molecular consequence: missense variant.
Genome position (GRCh38, 1-based): chr16:68,829,654, G>C. VCF-style: chr16-68829654-G-C. GRCh37 (hg19) VCF-style: chr16-68863557-G-C.
Other names: c.2113G>C, p.Asp705His (NM_001317184.2); c.748G>C, p.Asp250His (NM_001317185.2); c.331G>C, p.Asp111His (NM_001317186.2); short protein forms D705H, D111H, D766H, D250H.
Identifiers: ClinVar variation 1352008 (VCV001352008.10), dbSNP rs1471460728, ClinGen allele CA396470722.

ClinVar aggregate classification (germline): Uncertain significance. Review status: criteria provided, multiple submitters, no conflicts (2 of 4 stars). 2 submissions from 2 submitters: Uncertain significance (2). Last evaluated 2021-05-07.

Conditions:
Hereditary diffuse gastric adenocarcinoma (HDGC). Also called: DIFFUSE GASTRIC AND LOBULAR BREAST CANCER SYNDROME. Identifiers: Orphanet 26106, MedGen C1708349, MONDO:0007648, OMIM 137215.
Hereditary cancer-predisposing syndrome. Also called: Hereditary Cancer Syndrome; Neoplastic Syndromes, Hereditary; Tumor predisposition; Hereditary neoplastic syndrome. Identifiers: Orphanet 140162, MedGen C0027672, MeSH D009386, MONDO:0015356.

gnomAD v4.1: 1 of 1,614,038 alleles (0.000062%); highest among the groups gnomAD compares: South Asian, 0.0011%; no homozygotes.

Submissions (2):

Labcorp Genetics (formerly Invitae), Labcorp
Classification: Uncertain significance for Hereditary diffuse gastric adenocarcinoma. Last evaluated: 2021-05-07. Review status: criteria provided, single submitter. Criteria: Invitae Variant Classification Sherloc (09022015). Collection method: clinical testing. Allele origin: germline.
Comment: In summary, the available evidence is currently insufficient to determine the role of this variant in disease. Therefore, it has been classified as a Variant of Uncertain Significance. Algorithms developed to predict the effect of sequence changes on RNA splicing suggest that this variant may disrupt the consensus splice site, but this prediction has not been confirmed by published transcriptional studies. Algorithms developed to predict the effect of missense changes on protein structure and function are either unavailable or do not agree on the potential impact of this missense change (SIFT: "Deleterious"; PolyPhen-2: "Probably Damaging"; Align-GVGD: "Class C0"). This variant has not been reported in the literature in individuals with CDH1-related conditions. This variant is not present in population databases (ExAC no frequency). This sequence change replaces aspartic acid with histidine at codon 766 of the CDH1 protein (p.Asp766His). The aspartic acid residue is highly conserved and there is a moderate physicochemical difference between aspartic acid and histidine.

Ambry Genetics
Classification: Uncertain significance for Hereditary cancer-predisposing syndrome. Last evaluated: 2021-03-12. Review status: criteria provided, single submitter. Criteria: Ambry Variant Classification Scheme 2023. Collection method: clinical testing. Allele origin: germline.
Comment: The p.D766H variant (also known as c.2296G>C) is located in coding exon 15 of the CDH1 gene. The aspartic acid at codon 766 is replaced by histidine, an amino acid with similar properties. This change occurs in the first base pair of coding exon 15. This amino acid position is well conserved in available vertebrate species. In addition, the in silico prediction for this alteration is inconclusive. Since supporting evidence is limited at this time, the clinical significance of this alteration remains unclear.